The following is an entry in ClinVar:

ClinVar aggregate classification (germline): Uncertain significance (1 of 4 stars; one submission).

Submission:

Women's Health and Genetics/Laboratory Corporation of America, LabCorp
Classification: Uncertain significance. Last evaluated: 2025-07-03. Review status: criteria provided, single submitter. Criteria: LabCorp Variant Classification Summary - May 2015. Collection method: clinical testing. Allele origin: germline.
Comment: Variant summary: HSD17B3 c.667A>G (p.Ile223Val) results in a conservative amino acid change in the encoded protein sequence. Algorithms developed to predict the effect of missense changes on protein structure and function are either unavailable or do not agree on the potential impact of this missense change. The variant allele was found at a frequency of 8e-06 in 251496 control chromosomes. The available data on variant occurrences in the general population are insufficient to allow any conclusion about variant significance. c.667A>G has been observed in the homozygous state in at least 1 individual(s) affected with clinical features of Testosterone 17-beta-dehydrogenase deficiency (Gomes_2022), without strong evidence for causality. These report(s) do not provide unequivocal conclusions about association of the variant with Testosterone 17-beta-dehydrogenase deficiency. To our knowledge, no experimental evidence demonstrating an impact on protein function has been reported. The following publications have been ascertained in the context of this evaluation (PMID: 35134971, 33503178). No submitters have cited clinical-significance assessments for this variant to ClinVar. Based on the evidence outlined above, the variant was classified as uncertain significance.

Literature cited by the submitters: PubMed 35134971; PubMed 33503178.

NM_000197.2(HSD17B3):c.667A>G (p.Ile223Val)

Genes: HSD17B3 (hydroxysteroid 17-beta dehydrogenase 3; minus strand), SLC35D2-HSD17B3 (SLC35D2-HSD17B3 readthrough; minus strand). Cytogenetic location: 9q22.32.
Variant type: single nucleotide variant.
Coding change: c.667A>G on transcript NM_000197.2 (MANE Select); coding-DNA position 667, A replaced by G.
Protein change: p.Ile223Val; replaces isoleucine 223 with valine.
Molecular consequence: missense variant. On other transcripts: non-coding transcript variant (1).
Genome position (GRCh38, 1-based): chr9:96,244,334, T>C on the plus strand (A>G on the coding strand, the complement: HSD17B3 is on the minus strand). VCF-style: chr9-96244334-T-C. GRCh37 (hg19) VCF-style: chr9-99006616-T-C.
Other names: short protein forms I223V.
Identifiers: ClinVar variation 3911941 (VCV003911941.2).